The following is an entry in ClinVar:

NM_000834.5(GRIN2B):c.1826T>C (p.Leu609Pro)

Gene: GRIN2B (glutamate ionotropic receptor NMDA type subunit 2B; minus strand). Cytogenetic location: 12p13.1.
Variant type: single nucleotide variant.
Coding change: c.1826T>C on transcript NM_000834.5 (MANE Select); coding-DNA position 1826, T replaced by C.
Protein change: p.Leu609Pro; replaces leucine 609 with proline.
Molecular consequence: missense variant.
Genome position (GRCh38, 1-based): chr12:13,608,787, A>G on the plus strand (T>C on the coding strand, the complement: GRIN2B is on the minus strand). VCF-style: chr12-13608787-A-G. GRCh37 (hg19) VCF-style: chr12-13761721-A-G.
Other names: c.1826T>C, p.Leu609Pro (NM_001413992.1); short protein forms L609P.
Identifiers: ClinVar variation 3755211 (VCV003755211.2).

ClinVar aggregate classification (germline): Uncertain significance (1 of 4 stars; one submission).

Conditions:
Developmental and epileptic encephalopathy, 27 (DEE27). Also called: Epileptic encephalopathy, early infantile, 27; GRIN2B-Related Neurodevelopmental Disorder. Identifiers: Orphanet 3451, MedGen C4015316, MONDO:0014505, OMIM 616139.
Intellectual developmental disorder, autosomal dominant 6, with or without seizures. Also called: Intellectual disability, autosomal dominant 6; GRIN2B-related developmental delay, intellectual disability and autism spectrum disorder. Identifiers: Orphanet 589547, MedGen C3151411, MONDO:0013509, OMIM 613970.

Submission:

Labcorp Genetics (formerly Invitae), Labcorp
Classification: Uncertain significance for Developmental and epileptic encephalopathy, 27; Intellectual developmental disorder, autosomal dominant 6, with or without seizures. Last evaluated: 2024-03-27. Review status: criteria provided, single submitter. Criteria: Invitae Variant Classification Sherloc (09022015). Collection method: clinical testing. Allele origin: germline.
Comment: This sequence change replaces leucine, which is neutral and non-polar, with proline, which is neutral and non-polar, at codon 609 of the GRIN2B protein (p.Leu609Pro). This variant is not present in population databases (gnomAD no frequency). This variant has not been reported in the literature in individuals affected with GRIN2B-related conditions. Advanced modeling of protein sequence and biophysical properties (such as structural, functional, and spatial information, amino acid conservation, physicochemical variation, residue mobility, and thermodynamic stability) performed at Invitae indicates that this missense variant is expected to disrupt GRIN2B protein function with a positive predictive value of 95%. In summary, the available evidence is currently insufficient to determine the role of this variant in disease. Therefore, it has been classified as a Variant of Uncertain Significance.